The following is an entry in ClinVar:

NC_000004.11:g.(?_123848769)_(123850372_?)dup

Gene: AFG2A (AFG2 AAA ATPase homolog A; plus strand). Cytogenetic location: 4q28.1.
Variant type: Duplication.
Identifiers: ClinVar variation 1346933 (VCV001346933.6).

ClinVar aggregate classification (germline): Likely pathogenic (1 of 4 stars; one submission).

Conditions:
Microcephaly-intellectual disability-sensorineural hearing loss-epilepsy-abnormal muscle tone syndrome (NEDHSB). Also called: NEURODEVELOPMENTAL DISORDER WITH HEARING LOSS, SEIZURES, AND BRAIN ABNORMALITIES. Identifiers: Orphanet 457351, MedGen C4225276, MONDO:0014698, OMIM 616577.

Submission:

Labcorp Genetics (formerly Invitae), Labcorp
Classification: Likely pathogenic for Microcephaly-intellectual disability-sensorineural hearing loss-epilepsy-abnormal muscle tone syndrome. Last evaluated: 2022-08-29. Review status: criteria provided, single submitter. Criteria: Invitae Variant Classification Sherloc (09022015). Collection method: clinical testing. Allele origin: germline.
Comment: This variant results in a copy number gain of the genomic region encompassing exon(s) 2-3 of the SPATA5 gene. While the exact position of this variant cannot be determined from the data, sub-genic copy number gains are generally in tandem (PMID: 25640679). This variant is predicted to be out-of-frame, and may result in an absent or disrupted protein product. Loss-of-function variants in SPATA5 are known to be pathogenic (PMID: 26299366). This variant has not been reported in the literature in individuals affected with SPATA5-related conditions. In summary, the currently available evidence indicates that the variant is pathogenic, but additional data are needed to prove that conclusively. Therefore, this variant has been classified as Likely Pathogenic.

Literature cited by the submitters: PubMed 25640679; PubMed 26299366.